The following is an entry in ClinVar:

ClinVar aggregate classification (germline): Uncertain significance. Review status: criteria provided, multiple submitters, no conflicts (2 of 4 stars). 2 submissions from 2 submitters: Uncertain significance (2). Last evaluated 2025-05-08.

Conditions:
Hereditary cancer-predisposing syndrome. Also called: Neoplastic Syndromes, Hereditary; Hereditary Cancer Syndrome; Tumor predisposition; Hereditary neoplastic syndrome. Identifiers: Orphanet 140162, MedGen C0027672, MeSH D009386, MONDO:0015356.
Parathyroid carcinoma (PRTC). Also called: Parathyroid gland carcinoma; CDC73-Related Parathyroid Carcinoma. Identifiers: Orphanet 143, MedGen C0687150, MONDO:0012004, OMIM 608266, HP:0006780.

Submissions (2):

Ambry Genetics
Classification: Uncertain significance for Hereditary cancer-predisposing syndrome. Last evaluated: 2025-05-08. Review status: criteria provided, single submitter. Criteria: Ambry Variant Classification Scheme 2023. Collection method: clinical testing. Allele origin: germline.
Comment: The p.A251T variant (also known as c.751G>A), located in coding exon 8 of the CDC73 gene, results from a G to A substitution at nucleotide position 751. The alanine at codon 251 is replaced by threonine, an amino acid with similar properties. This amino acid position is conserved. In addition, the in silico prediction for this alteration is inconclusive. Based on the available evidence, the clinical significance of this variant remains unclear.

Labcorp Genetics (formerly Invitae), Labcorp
Classification: Uncertain significance for Parathyroid carcinoma. Last evaluated: 2024-06-11. Review status: criteria provided, single submitter. Criteria: Invitae Variant Classification Sherloc (09022015). Collection method: clinical testing. Allele origin: germline.
Comment: This sequence change replaces alanine, which is neutral and non-polar, with threonine, which is neutral and polar, at codon 251 of the CDC73 protein (p.Ala251Thr). This variant is not present in population databases (gnomAD no frequency). This variant has not been reported in the literature in individuals affected with CDC73-related conditions. ClinVar contains an entry for this variant (Variation ID: 971954). Advanced modeling of protein sequence and biophysical properties (such as structural, functional, and spatial information, amino acid conservation, physicochemical variation, residue mobility, and thermodynamic stability) performed at Invitae indicates that this missense variant is not expected to disrupt CDC73 protein function with a negative predictive value of 80%. In summary, the available evidence is currently insufficient to determine the role of this variant in disease. Therefore, it has been classified as a Variant of Uncertain Significance.

NM_024529.5(CDC73):c.751G>A (p.Ala251Thr)

Gene: CDC73 (cell division cycle 73; plus strand). Cytogenetic location: 1q31.2.
Variant type: single nucleotide variant.
Coding change: c.751G>A on transcript NM_024529.5 (MANE Select); coding-DNA position 751, G replaced by A.
Protein change: p.Ala251Thr; replaces alanine 251 with threonine.
Molecular consequence: missense variant.
Genome position (GRCh38, 1-based): chr1:193,147,888, G>A. VCF-style: chr1-193147888-G-A. GRCh37 (hg19) VCF-style: chr1-193117018-G-A.
Other names: short protein forms A251T.
Identifiers: ClinVar variation 971954 (VCV000971954.11), dbSNP rs1676029137, ClinGen allele CA343963873.
Genomic context (GRCh38, chr1:193,147,888, plus strand): 5'-ATTTAAAGTGGGCTTAATTAAAATCCATTTATATTTTAGAATTTTTCCAAGAACATTTTT[G>A]CAATTCTTCAATCTGTAAAAGCCAGAGAAGAAGGGCGTGCACCTGAACAGCGACCTGCCC-3'
Protein context (NP_078805.3, residues 241-261): TGKNFSKNIF[Ala251Thr]ILQSVKAREE